The following is an entry in ClinVar:

NM_001114753.3(ENG):c.891A>G (p.Gln297=)

Gene: ENG (endoglin; minus strand). Cytogenetic location: 9q34.11.
Variant type: single nucleotide variant.
Coding change: c.891A>G on transcript NM_001114753.3 (MANE Select); coding-DNA position 891, A replaced by G.
Protein change: p.Gln297=; no amino-acid change (glutamine 297 retained).
Molecular consequence: synonymous variant.
Genome position (GRCh38, 1-based): chr9:127,824,900, T>C on the plus strand (A>G on the coding strand, the complement: ENG is on the minus strand). VCF-style: chr9-127824900-T-C. GRCh37 (hg19) VCF-style: chr9-130587179-T-C.
Other names: c.891A>G (NM_001114753.1); c.891A>G, p.Gln297= (NM_000118.4, NM_001406715.1); c.345A>G, p.Gln115= (NM_001278138.2).
Identifiers: ClinVar variation 3035938 (VCV003035938.3), dbSNP rs770899669, ClinGen allele CA5252946.

ClinVar aggregate classification (germline): Likely benign. Review status: criteria provided, single submitter (1 of 4 stars). 2 submissions from 2 submitters: Likely benign (1). 1 of the submissions does not count toward it. Last evaluated 2023-02-16.

Conditions:
ENG-related disorder. Also called: ENG-related condition; ENG-related disorders.
Cardiovascular phenotype. Identifiers: MedGen CN230736.

Allele frequency attached by ClinVar (database versions not stated): ExAC 0.00001; gnomAD 0.00001; gnomAD exomes 0.00001; TOPMed 0.00002.
gnomAD v4.1: 6 of 1,613,812 alleles (0.00037%); highest among the groups gnomAD compares: African/African-American, 0.0053%; no homozygotes.

Submissions (2):

Ambry Genetics
Classification: Likely benign for Cardiovascular phenotype. Last evaluated: 2023-02-16. Review status: criteria provided, single submitter. Criteria: Ambry Variant Classification Scheme 2023. Collection method: clinical testing. Allele origin: germline.

PreventionGenetics, part of Exact Sciences
Classification: Likely benign for ENG-related condition. Last evaluated: 2020-07-10. Review status: no assertion criteria provided. Collection method: clinical testing. Allele origin: germline. Not counted in ClinVar's aggregate classification.
Comment: This variant is classified as likely benign based on ACMG/AMP sequence variant interpretation guidelines (Richards et al. 2015 PMID: 25741868, with internal and published modifications).